The following is an entry in ClinVar:

ClinVar aggregate classification (germline): Uncertain significance (1 of 4 stars; one submission).

Allele frequency attached by ClinVar (database versions not stated): gnomAD exomes below 0.00001; ExAC 0.00002.
gnomAD v4.1: 5 of 1,614,224 alleles (0.00031%); highest among the groups gnomAD compares: South Asian, 0.0044%; no homozygotes.

Submission:

Labcorp Genetics (formerly Invitae), Labcorp
Classification: Uncertain significance. Last evaluated: 2022-07-22. Review status: criteria provided, single submitter. Criteria: Invitae Variant Classification Sherloc (09022015). Collection method: clinical testing. Allele origin: germline.
Comment: In summary, the available evidence is currently insufficient to determine the role of this variant in disease. Therefore, it has been classified as a Variant of Uncertain Significance. Algorithms developed to predict the effect of missense changes on protein structure and function (SIFT, PolyPhen-2, Align-GVGD) all suggest that this variant is likely to be disruptive. This variant has not been reported in the literature in individuals affected with TRPM6-related conditions. This variant is present in population databases (rs778735100, gnomAD 0.01%). This sequence change replaces methionine, which is neutral and non-polar, with threonine, which is neutral and polar, at codon 969 of the TRPM6 protein (p.Met969Thr).

NM_017662.5(TRPM6):c.2906T>C (p.Met969Thr)

Gene: TRPM6 (transient receptor potential cation channel subfamily M member 6; minus strand). Cytogenetic location: 9q21.13.
Variant type: single nucleotide variant.
Coding change: c.2906T>C on transcript NM_017662.5 (MANE Select); coding-DNA position 2906, T replaced by C.
Protein change: p.Met969Thr; replaces methionine 969 with threonine.
Molecular consequence: missense variant.
Genome position (GRCh38, 1-based): chr9:74,785,887, A>G on the plus strand (T>C on the coding strand, the complement: TRPM6 is on the minus strand). VCF-style: chr9-74785887-A-G. GRCh37 (hg19) VCF-style: chr9-77400803-A-G.
Other names: c.2891T>C, p.Met964Thr (NM_001177310.2, NM_001177311.2); short protein forms M964T, M969T.
Identifiers: ClinVar variation 2000223 (VCV002000223.4), dbSNP rs778735100, ClinGen allele CA5084430.
Genomic context (GRCh38, chr9:74,785,887, plus strand): 5'-ATAATTTTAAAAAAGAATACCAGGATATAAAACTAGACTGTACTCACCATTTTTGCAATC[A>G]TGGTCACATATGGACCTGCATGTTGATTCACAGCAAAGAAGTCCAGGAGCCGTGAGAACC-3'
Protein context (NP_060132.3, residues 959-979): VNQHAGPYVT[Met969Thr]IAKMTANMFY